The following is an entry in ClinVar:

NM_005445.4(SMC3):c.1410-48T>C

Gene: SMC3 (structural maintenance of chromosomes 3; plus strand). Cytogenetic location: 10q25.2.
Variant type: single nucleotide variant.
Coding change: c.1410-48T>C on transcript NM_005445.4 (MANE Select); 48 bases into the intron before coding-DNA position 1410, T replaced by C.
Molecular consequence: intron variant.
Genome position (GRCh38, 1-based): chr10:110,589,844, T>C. VCF-style: chr10-110589844-T-C. GRCh37 (hg19) VCF-style: chr10-112349602-T-C.
Identifiers: ClinVar variation 259767 (VCV000259767.3), dbSNP rs3737293, ClinGen allele CA5687958.

ClinVar aggregate classification (germline): Benign. Review status: criteria provided, multiple submitters, no conflicts (2 of 4 stars). 3 submissions from 3 submitters: Benign (3). Last evaluated 2018-06-16.

Allele frequency attached by ClinVar (database versions not stated): gnomAD 0.06060 and 0.06256; 1000 Genomes Project 30x 0.06980; gnomAD exomes 0.07434 and 0.06938; ExAC 0.06887; 1000 Genomes Project 0.07129; ESP Exome Variant Server 0.05698; TOPMed 0.06052.
gnomAD v4.1: 113,956 of 1,556,270 alleles (7.3%); highest among the groups gnomAD compares: East Asian, 14%; 4,653 homozygotes.

Submissions (3):

GeneDx
Classification: Benign. Last evaluated: 2018-06-16. Review status: criteria provided, single submitter. Criteria: GeneDx Variant Classification (06012015). Collection method: clinical testing. Allele origin: germline. Affected: yes.
Comment: This variant is considered likely benign or benign based on one or more of the following criteria: it is a conservative change, it occurs at a poorly conserved position in the protein, it is predicted to be benign by multiple in silico algorithms, and/or has population frequency not consistent with disease.

Breakthrough Genomics
Classification: Benign. Review status: criteria provided, single submitter. Criteria: ACMG Guidelines, 2015. Collection method: not provided. Allele origin: germline. Inheritance: Autosomal dominant inheritance. Affected: yes.

PreventionGenetics, part of Exact Sciences
Classification: Benign. Review status: criteria provided, single submitter. Criteria: ACMG Guidelines, 2015. Collection method: clinical testing. Allele origin: germline.